The following is an entry in ClinVar:

ClinVar aggregate classification (germline): Conflicting classifications of pathogenicity. Review status: criteria provided, conflicting classifications (1 of 4 stars). 7 submissions from 7 submitters: Uncertain significance (4); Benign (1); Likely benign (1). 1 of the submissions does not count toward it. Last evaluated 2026-01-16.

Conditions:
Type 2 diabetes mellitus. Also called: Type II diabetes mellitus. Identifiers: MedGen C0011860, MeSH D003924, MONDO:0005148, OMIM 125853, HP:0005978.
Diabetes mellitus type 1 (T1D). Also called: Type I diabetes mellitus; Diabetes Mellitus, Juvenile-Onset. Identifiers: MedGen C0011854, MONDO:0005147, OMIM 222100, HP:0100651.
Nonpapillary renal cell carcinoma. Identifiers: Orphanet 422526, MedGen CN074294, MONDO:0007763, OMIM 144700.
Hepatic adenomas, familial. Also called: HEPATIC ADENOMA, SOMATIC; LIVER CELL ADENOMAS, FAMILIAL. Identifiers: MedGen C1840646, MONDO:0007718, OMIM 142330.
Maturity-onset diabetes of the young type 3. Also called: MODY type 3; MODY, type III. Identifiers: Orphanet 552, MedGen C1838100, MeSH C563933, MONDO:0010894, OMIM 600496. Disease mechanism: loss of function.
Type 1 diabetes mellitus 20 (T1D20). Also called: Diabetes mellitus, insulin-dependent, 20. Identifiers: MedGen C2675866, MONDO:0012919, OMIM 612520.
Ovarian cancer. Also called: OVARIAN CANCER, SOMATIC. Identifiers: Orphanet 213500, MedGen C1140680, MONDO:0008170, OMIM 167000.
Maturity-onset diabetes of the young (MODY). Also called: Maturity onset diabetes mellitus in young. Identifiers: Orphanet 552, MedGen C0342276, MONDO:0018911, HP:0004904.

Allele frequency attached by ClinVar (database versions not stated): TOPMed 0.00005.
gnomAD v4.1: 32 of 1,613,992 alleles (0.002%); highest among the groups gnomAD compares: East Asian, 0.022%; 1 homozygote.

Submissions (7):

Labcorp Genetics (formerly Invitae), Labcorp
Classification: Likely benign. Last evaluated: 2026-01-16. Review status: criteria provided, single submitter. Criteria: Invitae Variant Classification Sherloc (09022015). Collection method: clinical testing. Allele origin: germline.

Women's Health and Genetics/Laboratory Corporation of America, LabCorp
Classification: Uncertain significance. Last evaluated: 2025-07-07. Review status: criteria provided, single submitter. Criteria: LabCorp Variant Classification Summary - May 2015. Collection method: clinical testing. Allele origin: germline.
Comment: Variant summary: HNF1A c.1854C>G (p.Ile618Met) results in a conservative amino acid change in the encoded protein sequence. Algorithms developed to predict the effect of missense changes on protein structure and function are either unavailable or do not agree on the potential impact of this missense change. The variant allele was found at a frequency of 1.6e-05 in 251050 control chromosomes (gnomAD). The available data on variant occurrences in the general population are insufficient to allow any conclusion about variant significance. c.1854C>G has been observed in individuals affected with Maturity Onset Diabetes Of The Young (e.g., Ng_1999, Ma_2020). These data do not allow any conclusion about variant significance. To our knowledge, no experimental evidence demonstrating an impact on protein function has been reported. The following publications have been ascertained in the context of this evaluation (PMID: 10588527, 32238361). ClinVar contains an entry for this variant (Variation ID: 36813). Based on the evidence outlined above, the variant was classified as uncertain significance.

Fulgent Genetics
Classification: Uncertain significance for Type 2 diabetes mellitus; Hepatic adenomas, familial; Nonpapillary renal cell carcinoma; Diabetes mellitus type 1; Maturity-onset diabetes of the young type 3; Type 1 diabetes mellitus 20. Last evaluated: 2023-12-29. Review status: criteria provided, single submitter. Criteria: ACMG Guidelines, 2015. Collection method: clinical testing. Allele origin: germline.

Laboratory of Molecular Epidemiology of Birth Defects, West China Second University Hospital, Sichuan University
Classification: Benign for Ovarian cancer. Last evaluated: 2022-01-01. Review status: criteria provided, single submitter. Criteria: ACMG Guidelines, 2015. Collection method: clinical testing. Allele origin: germline. Affected: yes.

Athena Diagnostics
Classification: Uncertain significance. Last evaluated: 2020-07-27. Review status: criteria provided, single submitter. Criteria: Athena Diagnostics Criteria. Collection method: clinical testing. Allele origin: unknown.

Ambry Genetics
Classification: Uncertain significance for Maturity-onset diabetes of the young. Last evaluated: 2018-02-27. Review status: criteria provided, single submitter. Criteria: Ambry Variant Classification Scheme 2023. Collection method: clinical testing. Allele origin: germline.
Comment: The p.I618M variant (also known as c.1854C>G), located in coding exon 10 of the HNF1A gene, results from a C to G substitution at nucleotide position 1854. The isoleucine at codon 618 is replaced by methionine, an amino acid with highly similar properties. This amino acid position is well conserved in available vertebrate species. In addition, the in silico prediction for this alteration is inconclusive. Based on available evidence to date, the clinical significance of this alteration remains unclear.

ITMI
No classification provided. Condition: AllHighlyPenetrant. Last evaluated: 2013-09-19. Review status: no classification provided. Collection method: reference population. Allele origin: germline. Not counted in ClinVar's aggregate classification.
Comment: Please see associated publication for description of ethnicities

Literature cited by the submitters: PubMed 10588527 (cited by 3 submitters); PubMed 32238361 (cited by Women's Health and Genetics/Laboratory Corporation of America, LabCorp and Athena Diagnostics); PubMed 23348805 (cited by Ambry Genetics); PubMed 24728327 (cited by ITMI).

NM_000545.8(HNF1A):c.1854C>G (p.Ile618Met)

Genes: C12orf43 (chromosome 12 open reading frame 43; minus strand), HNF1A (HNF1 homeobox A; plus strand). Cytogenetic location: 12q24.31.
Variant type: single nucleotide variant.
Coding change: c.1854C>G on transcript NM_000545.8 (MANE Select); coding-DNA position 1854, C replaced by G.
Protein change: p.Ile618Met; replaces isoleucine 618 with methionine.
Molecular consequence: missense variant. On other transcripts: 3 prime UTR variant (3).
Genome position (GRCh38, 1-based): chr12:121,001,150, C>G. VCF-style: chr12-121001150-C-G. GRCh37 (hg19) VCF-style: chr12-121438953-C-G.
Other names: c.*3003G>C (NM_022895.3, NM_001286191.2, NM_001286196.2); c.1875C>G, p.Ile625Met (NM_001306179.2); c.1662C>G, p.Ile554Met (NM_001406915.1); short protein forms I618M, I625M, I554M.
Identifiers: ClinVar variation 36813 (VCV000036813.11), dbSNP rs193922591, ClinGen allele CA214683.